The following is an entry in ClinVar:

NM_000051.4(ATM):c.151_153del (p.Gln51del)

Gene: ATM (ATM serine/threonine kinase; plus strand). Cytogenetic location: 11q22.3.
Variant type: Deletion.
Coding change: c.151_153del on transcript NM_000051.4 (MANE Select); coding-DNA positions 151 to 153, 3 bases deleted (CAA; older notation c.151_153delCAA).
Protein change: p.Gln51del; deletes glutamine 51.
Molecular consequence: inframe deletion.
Genome position (GRCh38, 1-based): chr11:108,227,854-108,227,856, CAA deleted; deleting any 3 consecutive bases within chr11:108,227,852-108,227,856 gives the same sequence; the c. name uses the placement nearest the transcript's 3' end. VCF-style (leftmost placement, unchanged base first): chr11-108227851-AAAC-A. GRCh37 (hg19) VCF-style: chr11-108098578-AAAC-A.
Other names: c.151_153del, p.Gln51del (NM_001351834.2, NM_001351835.2, NM_001351836.2); short protein forms Q51del.
Identifiers: ClinVar variation 2835245 (VCV002835245.3), dbSNP rs2496897117, ClinGen allele CA2739270897.

ClinVar aggregate classification (germline): Uncertain significance (1 of 4 stars; one submission).

Conditions:
Ataxia-telangiectasia syndrome (AT). Also called: LOUIS-BAR SYNDROME; Ataxia-telangiectasia, complementation group D; ATAXIA-TELANGIECTASIA, COMPLEMENTATION GROUP A; ATAXIA-TELANGIECTASIA, FRESNO VARIANT; Ataxia-telangiectasia; Ataxia telangiectasia (A-T). Identifiers: Orphanet 100, MedGen C0004135, MONDO:0008840, OMIM 208900.

Submission:

Labcorp Genetics (formerly Invitae), Labcorp
Classification: Uncertain significance for Ataxia-telangiectasia syndrome. Last evaluated: 2023-02-08. Review status: criteria provided, single submitter. Criteria: Invitae Variant Classification Sherloc (09022015). Collection method: clinical testing. Allele origin: germline.
Comment: In summary, the available evidence is currently insufficient to determine the role of this variant in disease. Therefore, it has been classified as a Variant of Uncertain Significance. This variant, c.151_153del, results in the deletion of 1 amino acid(s) of the ATM protein (p.Gln51del), but otherwise preserves the integrity of the reading frame. This variant is not present in population databases (gnomAD no frequency). This variant has not been reported in the literature in individuals affected with ATM-related conditions. Experimental studies and prediction algorithms are not available or were not evaluated, and the functional significance of this variant is currently unknown.